The following is an entry in ClinVar:

NC_000011.9:g.(?_6625502)_(6631842_?)dup

Gene: ILK (integrin linked kinase; plus strand). Cytogenetic location: 11p15.4.
Variant type: Duplication.
Identifiers: ClinVar variation 3244598 (VCV003244598.1).

ClinVar aggregate classification (germline): Uncertain significance (1 of 4 stars; one submission).

Conditions:
Primary familial hypertrophic cardiomyopathy (HCM). Identifiers: Orphanet 99739, MedGen C0949658, MeSH D024741, MONDO:0024573. Inheritance: Various modes of inheritance.

Submission:

Labcorp Genetics (formerly Invitae), Labcorp
Classification: Uncertain significance for Primary familial hypertrophic cardiomyopathy. Last evaluated: 2023-10-14. Review status: criteria provided, single submitter. Criteria: Invitae Variant Classification Sherloc (09022015). Collection method: clinical testing. Allele origin: unknown.
Comment: A copy number gain of the genomic region encompassing the full coding sequence of the ILK gene has been identified. The boundaries of this event are unknown as they extend beyond the assayed region for this gene and therefore may encompass additional genes. As the precise location of this event is unknown, it may be in tandem or it may be located elsewhere in the genome. This variant has not been reported in the literature in individuals affected with ILK-related conditions. In summary, the available evidence is currently insufficient to determine the role of this variant in disease. Therefore, it has been classified as a Variant of Uncertain Significance.